The following is an entry in ClinVar:

ClinVar aggregate classification (germline): Uncertain significance. Review status: criteria provided, multiple submitters, no conflicts (2 of 4 stars). 2 submissions from 2 submitters: Uncertain significance (2). Last evaluated 2023-08-30.

Conditions:
Adams-Oliver syndrome 5 (AOS5). Identifiers: Orphanet 974, MedGen C4014970, MONDO:0014459, OMIM 616028.

gnomAD v4.1: 4 of 1,612,588 alleles (0.00025%); highest among the groups gnomAD compares: East Asian, 0.0022%; no homozygotes.

Submissions (2):

Labcorp Genetics (formerly Invitae), Labcorp
Classification: Uncertain significance for Adams-Oliver syndrome 5. Last evaluated: 2023-08-30. Review status: criteria provided, single submitter. Criteria: Invitae Variant Classification Sherloc (09022015). Collection method: clinical testing. Allele origin: germline.
Comment: In summary, the available evidence is currently insufficient to determine the role of this variant in disease. Therefore, it has been classified as a Variant of Uncertain Significance. Advanced modeling of protein sequence and biophysical properties (such as structural, functional, and spatial information, amino acid conservation, physicochemical variation, residue mobility, and thermodynamic stability) performed at Invitae indicates that this missense variant is not expected to disrupt NOTCH1 protein function. ClinVar contains an entry for this variant (Variation ID: 1711992). This variant has not been reported in the literature in individuals affected with NOTCH1-related conditions. This variant is not present in population databases (gnomAD no frequency). This sequence change replaces valine, which is neutral and non-polar, with methionine, which is neutral and non-polar, at codon 1099 of the NOTCH1 protein (p.Val1099Met).

GeneDx
Classification: Uncertain significance. Last evaluated: 2022-10-23. Review status: criteria provided, single submitter. Criteria: GeneDx Variant Classification Process June 2021. Collection method: clinical testing. Allele origin: germline. Affected: yes.
Comment: Not observed in large population cohorts (gnomAD); In silico analysis supports that this missense variant does not alter protein structure/function; Has not been previously published as pathogenic or benign to our knowledge

NM_017617.5(NOTCH1):c.3295G>A (p.Val1099Met)

Gene: NOTCH1 (notch receptor 1; minus strand). Cytogenetic location: 9q34.3.
Variant type: single nucleotide variant.
Coding change: c.3295G>A on transcript NM_017617.5 (MANE Select); coding-DNA position 3295, G replaced by A.
Protein change: p.Val1099Met; replaces valine 1099 with methionine.
Molecular consequence: missense variant.
Genome position (GRCh38, 1-based): chr9:136,508,262, C>T on the plus strand (G>A on the coding strand, the complement: NOTCH1 is on the minus strand). VCF-style: chr9-136508262-C-T. GRCh37 (hg19) VCF-style: chr9-139402714-C-T.
Other names: short protein forms V1099M.
Identifiers: ClinVar variation 1711992 (VCV001711992.7), dbSNP rs1843121423, ClinGen allele CA375551894.
Genomic context (GRCh38, chr9:136,508,262, plus strand): 5'-GACCCGAGCTGGGTGGGCACAGCAGGTTACCTTGTCGCTGCGCAGCCACCTCACAGGACA[C>T]GCTGGGCACGTCGCAGTAAAGGCCGGTCCAGCCGCTGGGGCACTCGCAGCGGTACTGGGT-3'
Protein context (NP_060087.3, residues 1089-1109): WTGLYCDVPS[Val1099Met]SCEVAAQRQG